The following is an entry in ClinVar:

ClinVar aggregate classification (germline): Uncertain significance (1 of 4 stars; one submission).

Conditions:
Sulfite oxidase deficiency. Also called: Isolated sulfite oxidase deficiency. Identifiers: Orphanet 833, Orphanet 99731, MedGen C0268624, MONDO:0010089, OMIM 272300, HP:0003643.

Submission:

Labcorp Genetics (formerly Invitae), Labcorp
Classification: Uncertain significance for Sulfite oxidase deficiency. Last evaluated: 2022-08-23. Review status: criteria provided, single submitter. Criteria: Invitae Variant Classification Sherloc (09022015). Collection method: clinical testing. Allele origin: germline.
Comment: In summary, the available evidence is currently insufficient to determine the role of this variant in disease. Therefore, it has been classified as a Variant of Uncertain Significance. Algorithms developed to predict the effect of missense changes on protein structure and function (SIFT, PolyPhen-2, Align-GVGD) all suggest that this variant is likely to be disruptive. ClinVar contains an entry for this variant (Variation ID: 1509645). This variant has not been reported in the literature in individuals affected with SUOX-related conditions. This variant is not present in population databases (gnomAD no frequency). This sequence change replaces proline, which is neutral and non-polar, with leucine, which is neutral and non-polar, at codon 364 of the SUOX protein (p.Pro364Leu).

NM_001032386.2(SUOX):c.1091C>T (p.Pro364Leu)

Gene: SUOX (sulfite oxidase; plus strand). Cytogenetic location: 12q13.2.
Variant type: single nucleotide variant.
Coding change: c.1091C>T on transcript NM_001032386.2 (MANE Select); coding-DNA position 1091, C replaced by T.
Protein change: p.Pro364Leu; replaces proline 364 with leucine.
Molecular consequence: missense variant.
Genome position (GRCh38, 1-based): chr12:56,004,480, C>T. VCF-style: chr12-56004480-C-T. GRCh37 (hg19) VCF-style: chr12-56398264-C-T.
Other names: c.1091C>T, p.Pro364Leu (NM_000456.3, NM_001032387.2); short protein forms P364L.
Identifiers: ClinVar variation 1509645 (VCV001509645.9), dbSNP rs2136512609, ClinGen allele CA385290982.